The following is an entry in ClinVar:

NM_182961.4(SYNE1):c.21781C>A (p.Arg7261=)

Gene: SYNE1 (spectrin repeat containing nuclear envelope protein 1; minus strand). Cytogenetic location: 6q25.2.
Variant type: single nucleotide variant.
Coding change: c.21781C>A on transcript NM_182961.4 (MANE Select); coding-DNA position 21781, C replaced by A.
Protein change: p.Arg7261=; no amino-acid change (arginine 7261 retained).
Molecular consequence: synonymous variant.
Genome position (GRCh38, 1-based): chr6:152,220,922, G>T on the plus strand (C>A on the coding strand, the complement: SYNE1 is on the minus strand). VCF-style: chr6-152220922-G-T. GRCh37 (hg19) VCF-style: chr6-152542057-G-T.
Other names: p.Arg7190=; c.21568C>A, p.Arg7190= (NM_033071.5).
Identifiers: ClinVar variation 448575 (VCV000448575.21), dbSNP rs138032057, ClinGen allele CA4054064.

ClinVar aggregate classification (germline): Conflicting classifications of pathogenicity. Review status: criteria provided, conflicting classifications (1 of 4 stars). 6 submissions from 6 submitters: Uncertain significance (1); Benign (2); Likely benign (3). Last evaluated 2025-12-15.

Conditions:
Emery-Dreifuss muscular dystrophy 4, autosomal dominant (EDMD4). Also called: EMERY-DREIFUSS MUSCULAR DYSTROPHY 4 WITH VARIABLE FEATURES. Identifiers: Orphanet 261, MedGen C2751807, MONDO:0013071, OMIM 612998.
Autosomal recessive ataxia, Beauce type. Also called: SYNE1-Related Autosomal Recessive Cerebellar Ataxia; SYNE1 Deficiency; Spinocerebellar ataxia, autosomal recessive 8; ATAXIA, RECESSIVE, OF BEAUCE. Identifiers: Orphanet 88644, MedGen C1853116, MONDO:0012549, OMIM 610743.

Allele frequency attached by ClinVar (database versions not stated): ESP Exome Variant Server 0.00085; 1000 Genomes Project 30x 0.00109; TOPMed 0.00109; 1000 Genomes Project 0.00120; gnomAD 0.00127.
gnomAD v4.1: 332 of 1,614,108 alleles (0.021%); highest among the groups gnomAD compares: African/African-American, 0.38%; 1 homozygote.

Submissions (6):

Labcorp Genetics (formerly Invitae), Labcorp
Classification: Benign for Emery-Dreifuss muscular dystrophy 4, autosomal dominant; Autosomal recessive ataxia, Beauce type. Last evaluated: 2025-12-15. Review status: criteria provided, single submitter. Criteria: Invitae Variant Classification Sherloc (09022015). Collection method: clinical testing. Allele origin: germline.

Mayo Clinic Laboratories, Mayo Clinic
Classification: Likely benign. Last evaluated: 2025-11-02. Review status: criteria provided, single submitter. Criteria: ACMG Guidelines, 2015. Collection method: clinical testing. Allele origin: germline. Observed: 1 variant allele.
Comment: BS1, BP4, BP7

Blueprint Genetics
Classification: Likely benign. Last evaluated: 2024-07-05. Review status: criteria provided, single submitter. Criteria: ACMG Guidelines, 2015. Collection method: clinical testing. Allele origin: germline.

Athena Diagnostics
Classification: Benign. Last evaluated: 2021-04-27. Review status: criteria provided, single submitter. Criteria: Athena Diagnostics criteria. Collection method: clinical testing. Allele origin: unknown.

GeneDx
Classification: Likely benign. Last evaluated: 2020-09-11. Review status: criteria provided, single submitter. Criteria: GeneDx Variant Classification Process June 2021. Collection method: clinical testing. Allele origin: germline. Affected: yes.

Eurofins Ntd Llc (ga)
Classification: Uncertain significance. Last evaluated: 2017-02-02. Review status: criteria provided, single submitter. Criteria: EGL Classification Definitions 2015. Collection method: clinical testing. Allele origin: germline. Observed: 4 variant alleles, 4 heterozygotes.